The following is an entry in ClinVar:

NM_000122.2(ERCC3):c.1411G>A (p.Val471Ile)

Gene: ERCC3 (ERCC excision repair 3, TFIIH core complex helicase subunit; minus strand). Cytogenetic location: 2q14.3.
Variant type: single nucleotide variant.
Coding change: c.1411G>A on transcript NM_000122.2 (MANE Select); coding-DNA position 1411, G replaced by A.
Protein change: p.Val471Ile; replaces valine 471 with isoleucine.
Molecular consequence: missense variant.
Genome position (GRCh38, 1-based): chr2:127,280,563, C>T on the plus strand (G>A on the coding strand, the complement: ERCC3 is on the minus strand). VCF-style: chr2-127280563-C-T. GRCh37 (hg19) VCF-style: chr2-128038139-C-T.
Other names: c.1219G>A, p.Val407Ile (NM_001303416.2, NM_001303418.2); short protein forms V471I, V407I.
Identifiers: ClinVar variation 894782 (VCV000894782.11), dbSNP rs371627165, ClinGen allele CA1858272.

ClinVar aggregate classification (germline): Conflicting classifications of pathogenicity. Review status: criteria provided, conflicting classifications (1 of 4 stars). 4 submissions from 4 submitters: Uncertain significance (3); Likely benign (1). Last evaluated 2025-04-28.

Conditions:
ERCC3-related disorder. Also called: ERCC3-related condition.
Xeroderma pigmentosum group B. Also called: XP, GROUP B; XPB/CS; XERODERMA PIGMENTOSUM B/COCKAYNE SYNDROME; ERCC3-Related Xeroderma Pigmentosum. Identifiers: MedGen C0268136, MONDO:0012531, OMIM 610651.
Trichothiodystrophy 2, photosensitive (TTD2). Identifiers: Orphanet 33364, MedGen C4225344, MONDO:0014615, OMIM 616390.

Allele frequency attached by ClinVar (database versions not stated): ESP Exome Variant Server 0.00008; gnomAD 0.00016 and 0.00029; TOPMed 0.00016; gnomAD exomes 0.00021; ExAC 0.00025; 1000 Genomes Project 30x 0.00203; 1000 Genomes Project 0.00260.
gnomAD v4.1: 241 of 1,614,202 alleles (0.015%); highest among the groups gnomAD compares: East Asian, 0.13%; 1 homozygote.

Submissions (4):

PreventionGenetics, part of Exact Sciences
Classification: Likely benign for ERCC3-related condition. Last evaluated: 2025-04-28. Review status: criteria provided, single submitter. Criteria: ACMG Guidelines, 2015. Collection method: clinical testing. Allele origin: germline.
Comment: This variant is classified as likely benign based on ACMG/AMP sequence variant interpretation guidelines (Richards et al. 2015 PMID: 25741868, with internal and published modifications).

Labcorp Genetics (formerly Invitae), Labcorp
Classification: Uncertain significance. Last evaluated: 2025-01-06. Review status: criteria provided, single submitter. Criteria: Invitae Variant Classification Sherloc (09022015). Collection method: clinical testing. Allele origin: germline.
Comment: This sequence change replaces valine, which is neutral and non-polar, with isoleucine, which is neutral and non-polar, at codon 471 of the ERCC3 protein (p.Val471Ile). This variant is present in population databases (rs371627165, gnomAD 0.1%). This variant has not been reported in the literature in individuals affected with ERCC3-related conditions. ClinVar contains an entry for this variant (Variation ID: 894782). Invitae Evidence Modeling of protein sequence and biophysical properties (such as structural, functional, and spatial information, amino acid conservation, physicochemical variation, residue mobility, and thermodynamic stability) indicates that this missense variant is expected to disrupt ERCC3 protein function with a positive predictive value of 80%. In summary, the available evidence is currently insufficient to determine the role of this variant in disease. Therefore, it has been classified as a Variant of Uncertain Significance.

Department of Pathology and Laboratory Medicine, Sinai Health System
Classification: Uncertain significance for Xeroderma pigmentosum group B; Trichothiodystrophy 2, photosensitive. Last evaluated: 2021-07-30. Review status: criteria provided, single submitter. Criteria: ACMG Guidelines, 2015. Collection method: research. Allele origin: germline.

Illumina Laboratory Services, Illumina
Classification: Uncertain significance for Xeroderma pigmentosum group B. Last evaluated: 2018-01-13. Review status: criteria provided, single submitter. Criteria: ICSL Variant Classification Criteria 13 December 2019. Collection method: clinical testing. Allele origin: germline.